The following is an entry in ClinVar:

NM_004991.4(MECOM):c.1138G>T (p.Val380Phe)

Gene: MECOM (MDS1 and EVI1 complex locus; minus strand). Cytogenetic location: 3q26.2.
Variant type: single nucleotide variant.
Coding change: c.1138G>T on transcript NM_004991.4 (MANE Select); coding-DNA position 1138, G replaced by T.
Protein change: p.Val380Phe; replaces valine 380 with phenylalanine.
Molecular consequence: missense variant. On other transcripts: intron variant (2).
Genome position (GRCh38, 1-based): chr3:169,116,734, C>A on the plus strand (G>T on the coding strand, the complement: MECOM is on the minus strand). VCF-style: chr3-169116734-C-A. GRCh37 (hg19) VCF-style: chr3-168834522-C-A.
Other names: c.769G>T, p.Val257Phe (NM_001105077.4); c.574G>T, p.Val192Phe (NM_001105078.4, NM_001164000.2, NM_001205194.2 and 4 more transcripts); c.577G>T, p.Val193Phe (NM_001163999.2, NM_001366467.2, NM_001366468.2 and 1 more transcripts); c.1138G>T, p.Val380Phe (NM_001366466.2); c.1133-967G>T (NM_001366473.2); c.569-967G>T (NM_001366474.2); short protein forms V193F, V380F, V192F, V257F.
Identifiers: ClinVar variation 3871856 (VCV003871856.1).

ClinVar aggregate classification (germline): Uncertain significance (1 of 4 stars; one submission).

Conditions:
Inborn genetic diseases. Identifiers: MedGen C0950123, MeSH D030342.

Submission:

Ambry Genetics
Classification: Uncertain significance for Inborn genetic diseases. Last evaluated: 2025-02-26. Review status: criteria provided, single submitter. Criteria: Ambry Variant Classification Scheme 2023. Collection method: clinical testing. Allele origin: germline.
Comment: The p.V380F variant (also known as c.1138G>T), located in coding exon 8 of the MECOM gene, results from a G to T substitution at nucleotide position 1138. The valine at codon 380 is replaced by phenylalanine, an amino acid with highly similar properties. This amino acid position is conserved. In addition, this alteration is predicted to be deleterious by in silico analysis. Based on the available evidence, the clinical significance of this variant remains unclear.